The following is an entry in ClinVar:

ClinVar aggregate classification (germline): Pathogenic. Review status: criteria provided, multiple submitters, no conflicts (2 of 4 stars). 2 submissions from 2 submitters: Pathogenic (2). Last evaluated 2024-02-01.

Conditions:
Curry-Hall syndrome (WAD). Also called: WEYERS ACRODENTAL DYSOSTOSIS. Identifiers: Orphanet 952, MedGen C0457013, MONDO:0008673, OMIM 193530.
Ellis-van Creveld syndrome (EVC). Also called: MESOECTODERMAL DYSPLASIA; Chondroectodermal dysplasia. Identifiers: Orphanet 289, MedGen C0013903, MONDO:0009162, OMIM 225500.
EVC-related disorder. Also called: EVC-related disorders; EVC-related condition.

Allele frequency attached by ClinVar (database versions not stated): gnomAD exomes below 0.00001; TOPMed below 0.00001.
gnomAD v4.1: 1 of 1,613,032 alleles (0.000062%); highest among the groups gnomAD compares: Non-Finnish European, 0.000085%; no homozygotes.

Submissions (2):

Labcorp Genetics (formerly Invitae), Labcorp
Classification: Pathogenic for Curry-Hall syndrome; Ellis-van Creveld syndrome. Last evaluated: 2024-02-01. Review status: criteria provided, single submitter. Criteria: Invitae Variant Classification Sherloc (09022015). Collection method: clinical testing. Allele origin: germline.
Comment: This sequence change affects an acceptor splice site in intron 4 of the EVC gene. It is expected to disrupt RNA splicing. Variants that disrupt the donor or acceptor splice site typically lead to a loss of protein function (PMID: 16199547), and loss-of-function variants in EVC are known to be pathogenic (PMID: 23220543). This variant is not present in population databases (gnomAD no frequency). Disruption of this splice site has been observed in individuals with Ellis-van Creveld syndrome (PMID: 23220543). ClinVar contains an entry for this variant (Variation ID: 2635592). Algorithms developed to predict the effect of sequence changes on RNA splicing suggest that this variant may disrupt the consensus splice site. For these reasons, this variant has been classified as Pathogenic.

PreventionGenetics, part of Exact Sciences
Classification: Pathogenic for EVC-related condition. Last evaluated: 2023-01-15. Review status: criteria provided, single submitter. Criteria: ACMG Guidelines, 2015. Collection method: clinical testing. Allele origin: germline.
Comment: The EVC c.618-2A>G variant is predicted to disrupt the AG splice acceptor site and interfere with normal splicing. This variant in the homozygous condition was reported in an individual with Ellis-van Creveld syndrome (D'Asdia et al 2013. PubMed ID: 23220543). This variant has not been reported in a large population database, indicating this variant is rare. Variants that disrupt the consensus splice acceptor site in EVC are expected to be pathogenic. This variant is interpreted as pathogenic.

Literature cited by the submitters: PubMed 16199547 (cited by Labcorp Genetics (formerly Invitae), Labcorp); PubMed 23220543 (cited by Labcorp Genetics (formerly Invitae), Labcorp).

NM_153717.3(EVC):c.618-2A>G

Gene: EVC (EvC ciliary complex subunit 1; plus strand). Cytogenetic location: 4p16.2.
Variant type: single nucleotide variant.
Coding change: c.618-2A>G on transcript NM_153717.3 (MANE Select); the canonical splice acceptor site of the intron before coding-DNA position 618, A replaced by G.
Molecular consequence: splice acceptor variant.
Genome position (GRCh38, 1-based): chr4:5,733,349, A>G. VCF-style: chr4-5733349-A-G. GRCh37 (hg19) VCF-style: chr4-5735076-A-G.
Other names: c.618-2A>G (NM_001306090.2, NM_001306092.2).
Identifiers: ClinVar variation 2635592 (VCV002635592.4), dbSNP rs1443064804, ClinGen allele CA356144108.